The following is an entry in ClinVar:

NM_017534.6(MYH2):c.4010A>G (p.His1337Arg)

Genes: MYH2 (myosin heavy chain 2; minus strand), MYHAS (myosin heavy chain gene cluster antisense RNA; plus strand). Cytogenetic location: 17p13.1.
Variant type: single nucleotide variant.
Coding change: c.4010A>G on transcript NM_017534.6 (MANE Select); coding-DNA position 4010, A replaced by G.
Protein change: p.His1337Arg; replaces histidine 1337 with arginine.
Molecular consequence: missense variant.
Genome position (GRCh38, 1-based): chr17:10,526,776, T>C on the plus strand (A>G on the coding strand, the complement: MYH2 is on the minus strand). VCF-style: chr17-10526776-T-C. GRCh37 (hg19) VCF-style: chr17-10430093-T-C.
Other names: c.4010A>G, p.His1337Arg (NM_001100112.2); short protein forms H1337R.
Identifiers: ClinVar variation 569652 (VCV000569652.6), dbSNP rs996870471, ClinGen allele CA287737710.

ClinVar aggregate classification (germline): Uncertain significance (1 of 4 stars; one submission).

Conditions:
Myopathy, proximal, and ophthalmoplegia (CMYO6). Also called: MYOPATHY WITH CONGENITAL JOINT CONTRACTURES, OPHTHALMOPLEGIA, AND RIMMED VACUOLES; INCLUSION BODY MYOPATHY 3, AUTOSOMAL DOMINANT; CONGENITAL MYOPATHY 6 WITH OPHTHALMOPLEGIA. Identifiers: Orphanet 363677, Orphanet 79091, MedGen C1854106, MONDO:0011577, OMIM 605637.

Allele frequency attached by ClinVar (database versions not stated): gnomAD exomes below 0.00001; TOPMed 0.00001.
gnomAD v4.1: 8 of 1,614,264 alleles (0.0005%); highest among the groups gnomAD compares: Non-Finnish European, 0.00059%; no homozygotes.

Submission:

Labcorp Genetics (formerly Invitae), Labcorp
Classification: Uncertain significance for Myopathy, proximal, and ophthalmoplegia. Last evaluated: 2025-08-18. Review status: criteria provided, single submitter. Criteria: Invitae Variant Classification Sherloc (09022015). Collection method: clinical testing. Allele origin: germline.
Comment: This sequence change replaces histidine, which is basic and polar, with arginine, which is basic and polar, at codon 1337 of the MYH2 protein (p.His1337Arg). This variant is not present in population databases (gnomAD no frequency). This variant has not been reported in the literature in individuals affected with MYH2-related conditions. ClinVar contains an entry for this variant (Variation ID: 569652). Invitae Evidence Modeling of protein sequence and biophysical properties (such as structural, functional, and spatial information, amino acid conservation, physicochemical variation, residue mobility, and thermodynamic stability) indicates that this missense variant is expected to disrupt MYH2 protein function with a positive predictive value of 80%. In summary, the available evidence is currently insufficient to determine the role of this variant in disease. Therefore, it has been classified as a Variant of Uncertain Significance.